The following is an entry in ClinVar:

ClinVar aggregate classification (germline): Uncertain significance (1 of 4 stars; one submission).

Allele frequency attached by ClinVar (database versions not stated): gnomAD exomes below 0.00001 and 0.00001.
gnomAD v4.1: 5 of 1,613,588 alleles (0.00031%); highest among the groups gnomAD compares: South Asian, 0.0011%; no homozygotes.

Submission:

Labcorp Genetics (formerly Invitae), Labcorp
Classification: Uncertain significance. Last evaluated: 2022-05-20. Review status: criteria provided, single submitter. Criteria: Invitae Variant Classification Sherloc (09022015). Collection method: clinical testing. Allele origin: germline.
Comment: Algorithms developed to predict the effect of missense changes on protein structure and function output the following: SIFT: "Tolerated"; PolyPhen-2: "Benign"; Align-GVGD: "Class C0". The asparagine amino acid residue is found in multiple mammalian species, which suggests that this missense change does not adversely affect protein function. In summary, the available evidence is currently insufficient to determine the role of this variant in disease. Therefore, it has been classified as a Variant of Uncertain Significance. This variant has not been reported in the literature in individuals affected with KIAA1549-related conditions. This variant is present in population databases (no rsID available, gnomAD 0.0009%). This sequence change replaces serine, which is neutral and polar, with asparagine, which is neutral and polar, at codon 1056 of the KIAA1549 protein (p.Ser1056Asn).

NM_001164665.2(KIAA1549):c.3167G>A (p.Ser1056Asn)

Gene: KIAA1549 (KIAA1549; minus strand). Cytogenetic location: 7q34.
Variant type: single nucleotide variant.
Coding change: c.3167G>A on transcript NM_001164665.2 (MANE Select); coding-DNA position 3167, G replaced by A.
Protein change: p.Ser1056Asn; replaces serine 1056 with asparagine.
Molecular consequence: missense variant.
Genome position (GRCh38, 1-based): chr7:138,909,100, C>T on the plus strand (G>A on the coding strand, the complement: KIAA1549 is on the minus strand). VCF-style: chr7-138909100-C-T. GRCh37 (hg19) VCF-style: chr7-138593846-C-T.
Other names: c.3167G>A, p.Ser1056Asn (NM_020910.3); short protein forms S1056N.
Identifiers: ClinVar variation 1422616 (VCV001422616.8), dbSNP rs1353794929, ClinGen allele CA369387548.
Genomic context (GRCh38, chr7:138,909,100, plus strand): 5'-AGAGCTGTCATTAGGCCTTTCTCAATGCGCTGGGTGAAGTTGCAGAAGCCAGTATCCACA[C>T]TCGGAGGCACAAACTGAAGTACTGAAAAGAAAAGCAATCAAAGTCCCATAAATGAGGTGT-3'
Protein context (NP_001158137.1, residues 1046-1066): VQTVLQFVPP[Ser1056Asn]VDTGFCNFTQ